The following is an entry in ClinVar:

NM_001042492.3(NF1):c.2088G>A (p.Trp696Ter)

Gene: NF1 (neurofibromin 1; plus strand). Cytogenetic location: 17q11.2.
Variant type: single nucleotide variant.
Coding change: c.2088G>A on transcript NM_001042492.3 (MANE Select); coding-DNA position 2088, G replaced by A.
Protein change: p.Trp696Ter; replaces tryptophan 696 with a stop codon.
Molecular consequence: nonsense.
Genome position (GRCh38, 1-based): chr17:31,226,521, G>A. VCF-style: chr17-31226521-G-A. GRCh37 (hg19) VCF-style: chr17-29553539-G-A.
Other names: c.2088G>A, p.Trp696Ter (NM_000267.4); short protein forms W696*.
Identifiers: ClinVar variation 428978 (VCV000428978.6), dbSNP rs1131691099, ClinGen allele CA398982224.

ClinVar aggregate classification (germline): Pathogenic. Review status: criteria provided, multiple submitters, no conflicts (2 of 4 stars). 2 submissions from 2 submitters: Pathogenic (2). Last evaluated 2024-03-14.

Conditions:
Hereditary cancer-predisposing syndrome. Also called: Hereditary neoplastic syndrome; Tumor predisposition; Neoplastic Syndromes, Hereditary; Hereditary Cancer Syndrome. Identifiers: Orphanet 140162, MedGen C0027672, MeSH D009386, MONDO:0015356.
Neurofibromatosis, type 1 (NF1). Also called: Neurofibromatosis, type I; NEUROFIBROMATOSIS, TYPE I, SOMATIC; Peripheral type neurofibromatosis; VON RECKLINGHAUSEN DISEASE. Identifiers: Orphanet 636, MedGen C0027831, MONDO:0018975, OMIM 162200. Disease mechanism: loss of function.

Submissions (2):

Labcorp Genetics (formerly Invitae), Labcorp
Classification: Pathogenic for Neurofibromatosis, type 1. Last evaluated: 2024-03-14. Review status: criteria provided, single submitter. Criteria: Invitae Variant Classification Sherloc (09022015). Collection method: clinical testing. Allele origin: germline.
Comment: This sequence change creates a premature translational stop signal (p.Trp696*) in the NF1 gene. It is expected to result in an absent or disrupted protein product. Loss-of-function variants in NF1 are known to be pathogenic (PMID: 10712197, 23913538). This variant is not present in population databases (gnomAD no frequency). This premature translational stop signal has been observed in individuals with neurofibromatosis type 1 (PMID: 25325900, 34418705). ClinVar contains an entry for this variant (Variation ID: 428978). For these reasons, this variant has been classified as Pathogenic.

Ambry Genetics
Classification: Pathogenic for Hereditary cancer-predisposing syndrome. Last evaluated: 2015-12-22. Review status: criteria provided, single submitter. Criteria: Ambry Autosomal Dominant and X-Linked criteria (10/2015). Collection method: clinical testing. Allele origin: germline. Observed: 1 variant allele.
Comment: Thep.W696*pathogenic mutation (also known as c.2088G>A) located in codingexon18 of theNF1gene, results from a G to A substitution at nucleotide position 2088. This changes the amino acid from atryptophanto a stopcodonwithin codingexon18.<span style="background-color:initial">This mutation has been seen in one individual who fulfilled NIH diagnostic criteria for NF1 (<span style="background-color:initial">SabbaghA, et al.Hum.Mutat. 2013;34(11):1510-8).<span style="background-color:initial"><span style="background-color:initial">In addition to the clinical data presented in the literature, since premature stopcodonsare typically deleterious in nature, this alteration is interpreted as a disease-causing mutation (ACMGRecommendations for Standards for Interpretation and Reporting of Sequence Variations. Revision 2007.Genet Med.2008;10:294).

Literature cited by the submitters: PubMed 10712197 (cited by Labcorp Genetics (formerly Invitae), Labcorp); PubMed 23913538 (cited by Labcorp Genetics (formerly Invitae), Labcorp and Ambry Genetics); PubMed 25325900 (cited by Labcorp Genetics (formerly Invitae), Labcorp); PubMed 34418705 (cited by Labcorp Genetics (formerly Invitae), Labcorp).